The following is an entry in ClinVar:

NM_003108.4(SOX11):c.627C>A (p.Gly209=)

Gene: SOX11 (SRY-box transcription factor 11; plus strand). Cytogenetic location: 2p25.2.
Variant type: single nucleotide variant.
Coding change: c.627C>A on transcript NM_003108.4 (MANE Select); coding-DNA position 627, C replaced by A.
Protein change: p.Gly209=; no amino-acid change (glycine 209 retained).
Molecular consequence: synonymous variant.
Genome position (GRCh38, 1-based): chr2:5,693,348, C>A. VCF-style: chr2-5693348-C-A. GRCh37 (hg19) VCF-style: chr2-5833480-C-A.
Identifiers: ClinVar variation 3678574 (VCV003678574.2).

ClinVar aggregate classification (germline): Uncertain significance (1 of 4 stars; one submission).

gnomAD v4.1: 2 of 1,589,090 alleles (0.00013%); highest among the groups gnomAD compares: Non-Finnish European, 0.000085%; no homozygotes.

Submission:

Labcorp Genetics (formerly Invitae), Labcorp
Classification: Uncertain significance. Last evaluated: 2024-11-26. Review status: criteria provided, single submitter. Criteria: Invitae Variant Classification Sherloc (09022015). Collection method: clinical testing. Allele origin: germline.
Comment: This sequence change affects codon 209 of the SOX11 mRNA. It is a 'silent' change, meaning that it does not change the encoded amino acid sequence of the SOX11 protein. This variant is not present in population databases (gnomAD no frequency). This variant has not been reported in the literature in individuals affected with SOX11-related conditions. In summary, the available evidence is currently insufficient to determine the role of this variant in disease. Therefore, it has been classified as a Variant of Uncertain Significance.